The following is an entry in ClinVar:

NM_005159.5(ACTC1):c.*2A>G

Genes: ACTC1 (actin alpha cardiac muscle 1; minus strand), GJD2-DT (GJD2 divergent transcript; plus strand). Cytogenetic location: 15q14.
Variant type: single nucleotide variant.
Coding change: c.*2A>G on transcript NM_005159.5 (MANE Select); 2 bases downstream of the stop codon, A replaced by G.
Molecular consequence: 3 prime UTR variant.
Genome position (GRCh38, 1-based): chr15:34,790,410, T>C on the plus strand (A>G on the coding strand, the complement: ACTC1 is on the minus strand). VCF-style: chr15-34790410-T-C. GRCh37 (hg19) VCF-style: chr15-35082611-T-C.
Other names: c.*2A>G (NM_001406482.1, NM_001406483.1, NM_001406484.1 and 1 more transcripts).
Identifiers: ClinVar variation 4757669 (VCV004757669.1).

ClinVar aggregate classification (germline): Uncertain significance (1 of 4 stars; one submission).

Conditions:
Cardiomyopathy (CMYO). Also called: Cardiomyopathies. Identifiers: Orphanet 167848, MedGen C0878544, MONDO:0004994, HP:0001638. Inheritance: Various modes of inheritance.

gnomAD v4.1: 1 of 1,613,686 alleles (0.000062%); highest among the groups gnomAD compares: Non-Finnish European, 0.000085%; no homozygotes.

Submission:

Color Diagnostics, LLC DBA Color Health
Classification: Uncertain significance for Cardiomyopathy. Last evaluated: 2025-07-17. Review status: criteria provided, single submitter. Criteria: ACMG Guidelines, 2015. Collection method: clinical testing. Allele origin: germline.
Comment: This variant is located in the 3' untranslated region of the ACTC1 gene. To our knowledge, functional studies have not been reported for this variant. This variant has not been reported in individuals affected with ACTC1-related disorders in the literature. This variant has not been identified in the general population by the Genome Aggregation Database (gnomAD). The available evidence is insufficient to determine the role of this variant in disease conclusively. Therefore, this variant is classified as a Variant of Uncertain Significance.